The following is an entry in ClinVar:

NM_021971.4(GMPPB):c.550C>T (p.Gln184Ter)

Gene: GMPPB (GDP-mannose pyrophosphorylase B; minus strand). Cytogenetic location: 3p21.31.
Variant type: single nucleotide variant.
Coding change: c.550C>T on transcript NM_021971.4 (MANE Select); coding-DNA position 550, C replaced by T.
Protein change: p.Gln184Ter; replaces glutamine 184 with a stop codon.
Molecular consequence: nonsense.
Genome position (GRCh38, 1-based): chr3:49,722,607, G>A on the plus strand (C>T on the coding strand, the complement: GMPPB is on the minus strand). VCF-style: chr3-49722607-G-A. GRCh37 (hg19) VCF-style: chr3-49760040-G-A.
Other names: c.550C>T, p.Gln184Ter (NM_013334.4); short protein forms Q184*.
Identifiers: ClinVar variation 2136135 (VCV002136135.1), dbSNP rs756092989, ClinGen allele CA352828564.
Genomic context (GRCh38, chr3:49,722,607, plus strand): 5'-GGTGATGGCCTGCCCCACCCCAGCCCACCAACAGCTGTCTCCTACACACCTGGATGCGCT[G>A]CAGCACTGCAGGGCTCAGGATGTACATGCCTGCGTTGATCTTATTGGACACAAACACCTG-3'

ClinVar aggregate classification (germline): Uncertain significance (1 of 4 stars; one submission).

Allele frequency attached by ClinVar (database versions not stated): gnomAD 0.00001.

Submission:

GeneDx
Classification: Uncertain significance. Last evaluated: 2022-07-22. Review status: criteria provided, single submitter. Criteria: GeneDx Variant Classification Process June 2021. Collection method: clinical testing. Allele origin: germline. Affected: yes.
Comment: Not observed at significant frequency in large population cohorts (gnomAD); In silico analysis supports that this missense variant has a deleterious effect on protein structure/function; Has not been previously published as pathogenic or benign to our knowledge